The following is an entry in ClinVar:

NM_018344.6(SLC29A3):c.73C>T (p.Arg25Ter)

Gene: SLC29A3 (solute carrier family 29 member 3; plus strand). Cytogenetic location: 10q22.1.
Variant type: single nucleotide variant.
Coding change: c.73C>T on transcript NM_018344.6 (MANE Select); coding-DNA position 73, C replaced by T.
Protein change: p.Arg25Ter; replaces arginine 25 with a stop codon.
Molecular consequence: nonsense. On other transcripts: 5 prime UTR variant (1), non-coding transcript variant (2).
Genome position (GRCh38, 1-based): chr10:71,322,827, C>T. VCF-style: chr10-71322827-C-T. GRCh37 (hg19) VCF-style: chr10-73082584-C-T.
Other names: c.73C>T, p.Arg25Ter (NM_001174098.2); c.-162C>T (NM_001363518.2); short protein forms R25*.
Identifiers: ClinVar variation 212200 (VCV000212200.53), dbSNP rs746408350, ClinGen allele CA205085.

ClinVar aggregate classification (germline): Conflicting classifications of pathogenicity. Review status: criteria provided, conflicting classifications (1 of 4 stars). 4 submissions from 4 submitters: Pathogenic (3); Uncertain significance (1). Last evaluated 2025-08-14.

Conditions:
H syndrome. Also called: FAISALABAD HISTIOCYTOSIS; HISTIOCYTOSIS AND LYMPHADENOPATHY WITH OR WITHOUT CUTANEOUS, CARDIAC, AND/OR ENDOCRINE FEATURES, JOINT CONTRACTURES, AND/OR DEAFNESS; HYPERPIGMENTATION, CUTANEOUS, WITH HYPERTRICHOSIS, HEPATOSPLENOMEGALY, HEART ANOMALIES, AND HYPOGONADISM WITH OR WITHOUT HEARING LOSS; PIGMENTED HYPERTRICHOSIS WITH INSULIN-DEPENDENT DIABETES MELLITUS; ROSAI-DORFMAN DISEASE, FAMILIAL; SINUS HISTIOCYTOSIS AND MASSIVE LYMPHADENOPATHY. Identifiers: Orphanet 168569, MedGen C1864445, MONDO:0011273, OMIM 602782.

Allele frequency attached by ClinVar (database versions not stated): gnomAD exomes 0.00001 and 0.00002; ExAC 0.00002.
gnomAD v4.1: 29 of 1,614,090 alleles (0.0018%); highest among the groups gnomAD compares: South Asian, 0.015%; no homozygotes.

Submissions (4):

Labcorp Genetics (formerly Invitae), Labcorp
Classification: Pathogenic for H syndrome. Last evaluated: 2025-08-14. Review status: criteria provided, single submitter. Criteria: Invitae Variant Classification Sherloc (09022015). Collection method: clinical testing. Allele origin: germline.
Comment: This sequence change creates a premature translational stop signal (p.Arg25*) in the SLC29A3 gene. It is expected to result in an absent or disrupted protein product. Loss-of-function variants in SLC29A3 are known to be pathogenic (PMID: 19336477, 20595384, 23406517, 25963354). This variant is present in population databases (rs746408350, gnomAD 0.003%). This variant has not been reported in the literature in individuals affected with SLC29A3-related conditions. ClinVar contains an entry for this variant (Variation ID: 212200). For these reasons, this variant has been classified as Pathogenic.

3billion
Classification: Pathogenic for H syndrome. Last evaluated: 2022-05-22. Review status: criteria provided, single submitter. Criteria: ACMG Guidelines, 2015. Collection method: clinical testing. Allele origin: germline. Affected: yes. Observed: 1 homozygote.
Comment: The variant is observed at an extremely low frequency in the gnomAD v2.1.1 dataset (total allele frequency: 0.001%). Stop-gained (nonsense): predicted to result in a loss or disruption of normal protein function through nonsense-mediated decay (NMD) or protein truncation. Multiple pathogenic variants are reported downstream of the variant. The variant has been reported to be associated with SLC29A3 related disorder (ClinVar ID: VCV000212200). Therefore, this variant is classified as pathogenic according to the recommendation of ACMG/AMP guideline.

CeGaT Center for Human Genetics Tuebingen
Classification: Uncertain significance. Last evaluated: 2016-09-01. Review status: criteria provided, single submitter. Criteria: CeGaT Center For Human Genetics Tuebingen Variant Classification Criteria Version 2. Collection method: clinical testing. Allele origin: germline. Affected: yes. Observed: 1 variant allele.

Genetic Services Laboratory, University of Chicago
Classification: Pathogenic for Histiocytosis-lymphadenopathy plus syndrome. Last evaluated: 2014-05-08. Review status: criteria provided, single submitter. Criteria: ACMG Guidelines, 2015. Collection method: clinical testing. Allele origin: germline. Affected: yes.

Literature cited by the submitters: PubMed 19336477 (cited by Labcorp Genetics (formerly Invitae), Labcorp); PubMed 20595384 (cited by Labcorp Genetics (formerly Invitae), Labcorp); PubMed 23406517 (cited by Labcorp Genetics (formerly Invitae), Labcorp); PubMed 25963354 (cited by Labcorp Genetics (formerly Invitae), Labcorp).